The following is an entry in ClinVar:

ClinVar aggregate classification (germline): Likely pathogenic (1 of 4 stars; one submission).

Submission:

Athena Diagnostics
Classification: Likely pathogenic. Last evaluated: 2022-03-11. Review status: criteria provided, single submitter. Criteria: Athena Diagnostics Criteria. Collection method: clinical testing. Allele origin: unknown.
Comment: This variant is expected to result in the loss of a functional protein. This variant has not been reported in large, multi-ethnic general populations.

NM_001166114.2(PNPLA6):c.3882del (p.Thr1295fs)

Gene: PNPLA6 (patatin like domain 6, lysophospholipase; plus strand). Cytogenetic location: 19p13.2.
Variant type: Deletion.
Coding change: c.3882del on transcript NM_001166114.2 (MANE Select); coding-DNA position 3882, one base deleted (C; older notation c.3882delC).
Protein change: p.Thr1295fs; shifts the reading frame from threonine 1295.
Molecular consequence: frameshift variant.
Genome position (GRCh38, 1-based): chr19:7,561,079, C deleted; the last of 6 consecutive C bases (chr19:7,561,074-7,561,079); deleting any one gives the same sequence. VCF-style (leftmost placement, unchanged base first): chr19-7561073-GC-G. GRCh37 (hg19) VCF-style: chr19-7625959-GC-G.
Other names: c.3912del, p.Thr1305fs (NM_001166111.2); c.3687del, p.Thr1230fs (NM_001166112.2); c.3768del, p.Thr1257fs (NM_001166113.1, NM_006702.5); short protein forms T1230fs, T1257fs, T1295fs, T1305fs.
Identifiers: ClinVar variation 1807461 (VCV001807461.1), dbSNP rs754195561, ClinGen allele CA505404339.
Genomic context (GRCh38, chr19:7,561,073, plus strand): 5'-GGTGCTTGCCTTCCCAAGCTCTGGCTTCACTGACTTGGCAGAGATTGTGTCCCGGATTGA[GC>G]CCCCCACGAGCTATGTCTCTGATGGCTGTGCTGACGGTGAGGGGCCCAGGGGACCCCCCA-3'